The following is an entry in ClinVar:

ClinVar aggregate classification (germline): Uncertain significance (1 of 4 stars; one submission).

Conditions:
Epileptic encephalopathy. Identifiers: MedGen C0543888, HP:0200134.

Submission:

Labcorp Genetics (formerly Invitae), Labcorp
Classification: Uncertain significance for Epileptic encephalopathy. Last evaluated: 2020-12-31. Review status: criteria provided, single submitter. Criteria: Invitae Variant Classification Sherloc (09022015). Collection method: clinical testing. Allele origin: germline.
Comment: This sequence change replaces arginine with serine at codon 477 of the FASN protein (p.Arg477Ser). The arginine residue is weakly conserved and there is a moderate physicochemical difference between arginine and serine. This variant is not present in population databases (ExAC no frequency). In summary, the available evidence is currently insufficient to determine the role of this variant in disease. Therefore, it has been classified as a Variant of Uncertain Significance. Algorithms developed to predict the effect of missense changes on protein structure and function output the following: SIFT: "Tolerated"; PolyPhen-2: "Benign"; Align-GVGD: "Class C0". The serine amino acid residue is found in multiple mammalian species, suggesting that this missense change does not adversely affect protein function. These predictions have not been confirmed by published functional studies and their clinical significance is uncertain. This variant has not been reported in the literature in individuals with FASN-related conditions.

NM_004104.5(FASN):c.1429C>A (p.Arg477Ser)

Gene: FASN (fatty acid synthase; minus strand). Cytogenetic location: 17q25.3.
Variant type: single nucleotide variant.
Coding change: c.1429C>A on transcript NM_004104.5 (MANE Select); coding-DNA position 1429, C replaced by A.
Protein change: p.Arg477Ser; replaces arginine 477 with serine.
Molecular consequence: missense variant.
Genome position (GRCh38, 1-based): chr17:82,091,285, G>T on the plus strand (C>A on the coding strand, the complement: FASN is on the minus strand). VCF-style: chr17-82091285-G-T. GRCh37 (hg19) VCF-style: chr17-80049161-G-T.
Other names: short protein forms R477S.
Identifiers: ClinVar variation 1430097 (VCV001430097.8), dbSNP rs1009899437, ClinGen allele CA401560473.
Genomic context (GRCh38, chr17:82,091,285, plus strand): 5'-AGCAGATGAACCAGAGCGGGCGCTCGCCAGCGGGCACCTGCTGCACCTCTGGGCCACCGC[G>T]CTCACCACCCAGCACAGCGTAGCCACGGAAGGGCATGGCGGTGGCGGGGACAGCCGCGAT-3'
Protein context (NP_004095.4, residues 467-487): FRGYAVLGGE[Arg477Ser]GGPEVQQVPA